The following is an entry in ClinVar:

NM_001374353.1(GLI2):c.2034G>A (p.Thr678=)

Gene: GLI2 (GLI family zinc finger 2; plus strand). Cytogenetic location: 2q14.2.
Variant type: single nucleotide variant.
Coding change: c.2034G>A on transcript NM_001374353.1 (MANE Select); coding-DNA position 2034, G replaced by A.
Protein change: p.Thr678=; no amino-acid change (threonine 678 retained).
Molecular consequence: synonymous variant.
Genome position (GRCh38, 1-based): chr2:120,986,406, G>A. VCF-style: chr2-120986406-G-A. GRCh37 (hg19) VCF-style: chr2-121743982-G-A.
Other names: c.2085G>A, p.Thr695= (NM_001371271.1, NM_005270.5); c.1659G>A, p.Thr553= (NM_001374354.1).
Identifiers: ClinVar variation 287567 (VCV000287567.49), dbSNP rs139298853, ClinGen allele CA1852117.
Genomic context (GRCh38, chr2:120,986,406, plus strand): 5'-CAACAATGACAGTGGCGTGGAGATGCCGGGGACGGGGCCCGGGAGCCTGGGAGACCTGAC[G>A]GCACTGGATGACACACCCCCAGGGGCCGACACCTCAGCCCTGGCTGCCCCCTCCGCTGGT-3'
Protein context (NP_001361282.1, residues 668-688): GTGPGSLGDL[Thr678=]ALDDTPPGAD

ClinVar aggregate classification (germline): Likely benign. Review status: criteria provided, multiple submitters, no conflicts (2 of 4 stars). 8 submissions from 8 submitters: Likely benign (5). 3 of the submissions do not count toward it. Last evaluated 2026-08-01.

Conditions:
Holoprosencephaly 9 (HPE9). Also called: PITUITARY ANOMALIES WITH HOLOPROSENCEPHALY-LIKE FEATURES; HOLOPROSENCEPHALY WITH MICROPHTHALMIA AND FIRST BRANCHIAL ARCH ANOMALIES. Identifiers: Orphanet 2162, MedGen C1835819, MONDO:0012563, OMIM 610829.
Postaxial polydactyly-anterior pituitary anomalies-facial dysmorphism syndrome. Also called: Culler-Jones syndrome. Identifiers: Orphanet 420584, MedGen C4014479, MONDO:0014369, OMIM 615849.

Allele frequency attached by ClinVar (database versions not stated): 1000 Genomes Project 30x 0.00016; 1000 Genomes Project 0.00020; gnomAD 0.00041 and 0.00042; TOPMed 0.00057; ESP Exome Variant Server 0.00062.
gnomAD v4.1: 1,023 of 1,613,770 alleles (0.063%); highest among the groups gnomAD compares: Non-Finnish European, 0.081%; 3 homozygotes.

Submissions (8):

CeGaT Center for Human Genetics Tuebingen
Classification: Likely benign. Last evaluated: 2026-08-01. Review status: criteria provided, single submitter. Criteria: CeGaT Center For Human Genetics Tuebingen Variant Classification Criteria Version 2. Collection method: clinical testing. Allele origin: germline. Affected: yes. Observed: 6 variant alleles.
Comment: GLI2: BP4, BP7

Labcorp Genetics (formerly Invitae), Labcorp
Classification: Likely benign for Postaxial polydactyly-anterior pituitary anomalies-facial dysmorphism syndrome; Holoprosencephaly 9. Last evaluated: 2026-01-13. Review status: criteria provided, single submitter. Criteria: Invitae Variant Classification Sherloc (09022015). Collection method: clinical testing. Allele origin: germline.

Blueprint Genetics
Classification: Likely benign. Last evaluated: 2024-08-21. Review status: criteria provided, single submitter. Criteria: ACMG Guidelines, 2015. Collection method: clinical testing. Allele origin: germline.

Illumina Laboratory Services, Illumina
Classification: Likely benign for Holoprosencephaly 9. Last evaluated: 2018-03-06. Review status: criteria provided, single submitter. Criteria: ICSL Variant Classification Criteria 13 December 2019. Collection method: clinical testing. Allele origin: germline.
Comment: This variant was observed in the ICSL laboratory as part of a predisposition screen in an ostensibly healthy population. It had not been previously curated by ICSL or reported in the Human Gene Mutation Database (HGMD: prior to June 1st, 2018), and was therefore a candidate for classification through an automated scoring system. Utilizing variant allele frequency, disease prevalence and penetrance estimates, and inheritance mode, an automated score was calculated to assess if this variant is too frequent to cause the disease. Based on the score and internal cut-off values, a variant classified as likely benign is not then subjected to further curation. The score for this variant resulted in a classification of likely benign for this disease.

Eurofins Ntd Llc (ga)
Classification: Likely benign. Last evaluated: 2016-05-09. Review status: criteria provided, single submitter. Criteria: EGL Classification Definitions 2015. Collection method: clinical testing. Allele origin: germline. Observed: 1 variant allele, 1 heterozygote.

Clinical Genetics DNA and cytogenetics Diagnostics Lab, Erasmus MC, Erasmus Medical Center
Classification: Likely benign. Review status: no assertion criteria provided. Collection method: clinical testing. Allele origin: germline. Affected: yes. Study: VKGL Data-share Consensus. Not counted in ClinVar's aggregate classification.

Clinical Genetics, Academic Medical Center
Classification: Benign. Review status: no assertion criteria provided. Collection method: clinical testing. Allele origin: germline. Affected: yes. Study: VKGL Data-share Consensus. Not counted in ClinVar's aggregate classification.

Genome Diagnostics Laboratory, University Medical Center Utrecht
Classification: Likely benign. Review status: no assertion criteria provided. Collection method: clinical testing. Allele origin: germline. Affected: yes. Study: VKGL Data-share Consensus. Not counted in ClinVar's aggregate classification.